The following is an entry in ClinVar:

NM_001330588.2(TPP2):c.295A>T (p.Ile99Phe)

Gene: TPP2 (tripeptidyl peptidase 2; plus strand). Cytogenetic location: 13q33.1.
Variant type: single nucleotide variant.
Coding change: c.295A>T on transcript NM_001330588.2 (MANE Select); coding-DNA position 295, A replaced by T.
Protein change: p.Ile99Phe; replaces isoleucine 99 with phenylalanine.
Molecular consequence: missense variant. On other transcripts: non-coding transcript variant (1).
Genome position (GRCh38, 1-based): chr13:102,614,101, A>T. VCF-style: chr13-102614101-A-T. GRCh37 (hg19) VCF-style: chr13-103266451-A-T.
Other names: c.295A>T, p.Ile99Phe (NM_001367947.1, NM_003291.4); short protein forms I99F.
Identifiers: ClinVar variation 4718591 (VCV004718591.1).

ClinVar aggregate classification (germline): Uncertain significance (1 of 4 stars; one submission).

Conditions:
Evans syndrome, immunodeficiency, and premature immunosenescence associated with tripeptidyl-peptidase II deficiency. Identifiers: MedGen CN231723. Disease mechanism: loss of function.

Submission:

Labcorp Genetics (formerly Invitae), Labcorp
Classification: Uncertain significance for Evans syndrome, immunodeficiency, and premature immunosenescence associated with tripeptidyl-peptidase II deficiency. Last evaluated: 2025-04-29. Review status: criteria provided, single submitter. Criteria: Invitae Variant Classification Sherloc (09022015). Collection method: clinical testing. Allele origin: germline.
Comment: This sequence change replaces isoleucine, which is neutral and non-polar, with phenylalanine, which is neutral and non-polar, at codon 99 of the TPP2 protein (p.Ile99Phe). The frequency data for this variant in the population databases is considered unreliable, as metrics indicate poor data quality at this position in the gnomAD database. This variant has not been reported in the literature in individuals affected with TPP2-related conditions. An algorithm developed to predict the effect of missense changes on protein structure and function (PolyPhen-2) suggests that this variant is likely to be disruptive. In summary, the available evidence is currently insufficient to determine the role of this variant in disease. Therefore, it has been classified as a Variant of Uncertain Significance.